The following is an entry in ClinVar:

NM_000384.3(APOB):c.10149CAC[1] (p.Thr3385del)

Gene: APOB (apolipoprotein B; minus strand). Cytogenetic location: 2p24.1.
Variant type: Microsatellite.
Coding change: c.10149CAC[1] on transcript NM_000384.3 (MANE Select); one copy of the 3-base unit CAC starting at c.10149; the reference has two copies in a row; one copy, 3 bases deleted.
Protein change: p.Thr3385del; deletes threonine 3385.
Molecular consequence: inframe deletion.
Genome position (GRCh38, 1-based): chr2:21,006,714-21,006,716, GTG deleted on the plus strand (CAC on the coding strand, the reverse complement: APOB is on the minus strand); deleting any 3 consecutive bases within chr2:21,006,714-21,006,719 gives the same sequence; the position shown is the placement nearest the transcript's 3' end. VCF-style (leftmost placement, unchanged base first): chr2-21006713-TGTG-T. GRCh37 (hg19) VCF-style: chr2-21229585-TGTG-T.
Other names: short protein forms T3385del.
Identifiers: ClinVar variation 3762431 (VCV003762431.2).

ClinVar aggregate classification (germline): Uncertain significance (1 of 4 stars; one submission).

Conditions:
Familial hypobetalipoproteinemia 1. Also called: Hypobetalipoproteinemia, normotriglyceridemic; Acanthocytosis with hypobetalipoproteinemia; APOB-Related Familial Hypobetalipoproteinemia. Identifiers: MedGen C4551990, MONDO:0014252, OMIM 615558.
Hypercholesterolemia, autosomal dominant, type B (FHCL2). Also called: APOB-Related Familial Hypercholesterolemia, Autosomal Dominant; Familial Hypercholesterolemia Type B; APOLIPOPROTEIN B-100, FAMILIAL DEFECTIVE; APOLIPOPROTEIN B-100, FAMILIAL LIGAND-DEFECTIVE; HYPERCHOLESTEROLEMIA, FAMILIAL, DUE TO LIGAND-DEFECTIVE APOLIPOPROTEIN B; Familial hypercholesterolemia 2. Identifiers: MedGen C1704417, MONDO:0007751, OMIM 144010.

Submission:

Labcorp Genetics (formerly Invitae), Labcorp
Classification: Uncertain significance for Familial hypobetalipoproteinemia 1; Hypercholesterolemia, autosomal dominant, type B. Last evaluated: 2024-08-12. Review status: criteria provided, single submitter. Criteria: Invitae Variant Classification Sherloc (09022015). Collection method: clinical testing. Allele origin: germline.
Comment: This variant, c.10152_10154del, results in the deletion of 1 amino acid(s) of the APOB protein (p.Thr3385del), but otherwise preserves the integrity of the reading frame. This variant is not present in population databases (gnomAD no frequency). This variant has been observed in individual(s) with clinical features of familial hypercholesterolemia (Invitae). Experimental studies and prediction algorithms are not available or were not evaluated, and the functional significance of this variant is currently unknown. In summary, the available evidence is currently insufficient to determine the role of this variant in disease. Therefore, it has been classified as a Variant of Uncertain Significance.